The following is an entry in ClinVar:

NM_032578.4(MYPN):c.1936G>A (p.Val646Met)

Gene: MYPN (myopalladin; plus strand). Cytogenetic location: 10q21.3.
Variant type: single nucleotide variant.
Coding change: c.1936G>A on transcript NM_032578.4 (MANE Select); coding-DNA position 1936, G replaced by A.
Protein change: p.Val646Met; replaces valine 646 with methionine.
Molecular consequence: missense variant. On other transcripts: non-coding transcript variant (2).
Genome position (GRCh38, 1-based): chr10:68,166,629, G>A. VCF-style: chr10-68166629-G-A. GRCh37 (hg19) VCF-style: chr10-69926386-G-A.
Other names: c.1936G>A, p.Val646Met (NM_001256267.2); c.1054G>A, p.Val352Met (NM_001256268.2); short protein forms V646M, V352M.
Identifiers: ClinVar variation 960666 (VCV000960666.7), dbSNP rs772535532, ClinGen allele CA5522683.

ClinVar aggregate classification (germline): Uncertain significance. Review status: criteria provided, multiple submitters, no conflicts (2 of 4 stars). 2 submissions from 2 submitters: Uncertain significance (2). Last evaluated 2025-05-21.

Conditions:
Dilated cardiomyopathy 1KK (CMD1KK). Identifiers: Orphanet 154, Orphanet 75249, MedGen C3714995, MONDO:0014100, OMIM 615248.
Cardiovascular phenotype. Identifiers: MedGen CN230736.

Allele frequency attached by ClinVar (database versions not stated): TOPMed 0.00001; gnomAD exomes 0.00002 and 0.00004; ExAC 0.00002.
gnomAD v4.1: 26 of 1,613,980 alleles (0.0016%); highest among the groups gnomAD compares: Middle Eastern, 0.033%; no homozygotes.

Submissions (2):

Ambry Genetics
Classification: Uncertain significance for Cardiovascular phenotype. Last evaluated: 2025-05-21. Review status: criteria provided, single submitter. Criteria: Ambry Variant Classification Scheme 2023. Collection method: clinical testing. Allele origin: germline.

Labcorp Genetics (formerly Invitae), Labcorp
Classification: Uncertain significance for Dilated cardiomyopathy 1KK. Last evaluated: 2022-05-10. Review status: criteria provided, single submitter. Criteria: Invitae Variant Classification Sherloc (09022015). Collection method: clinical testing. Allele origin: germline.
Comment: This sequence change replaces valine, which is neutral and non-polar, with methionine, which is neutral and non-polar, at codon 646 of the MYPN protein (p.Val646Met). This variant is present in population databases (rs772535532, gnomAD 0.01%). This variant has not been reported in the literature in individuals affected with MYPN-related conditions. ClinVar contains an entry for this variant (Variation ID: 960666). Algorithms developed to predict the effect of missense changes on protein structure and function (SIFT, PolyPhen-2, Align-GVGD) all suggest that this variant is likely to be tolerated. In summary, the available evidence is currently insufficient to determine the role of this variant in disease. Therefore, it has been classified as a Variant of Uncertain Significance.